The following is an entry in ClinVar:

NM_021973.3(HAND2):c.32C>T (p.Pro11Leu)

Genes: HAND2 (heart and neural crest derivatives expressed 2; minus strand), HAND2-AS1 (HAND2 antisense RNA 1; plus strand). Cytogenetic location: 4q34.1.
Variant type: single nucleotide variant.
Coding change: c.32C>T on transcript NM_021973.3 (MANE Select); coding-DNA position 32, C replaced by T.
Protein change: p.Pro11Leu; replaces proline 11 with leucine.
Molecular consequence: missense variant.
Genome position (GRCh38, 1-based): chr4:173,529,258, G>A on the plus strand (C>T on the coding strand, the complement: HAND2 is on the minus strand). VCF-style: chr4-173529258-G-A. GRCh37 (hg19) VCF-style: chr4-174450409-G-A.
Other names: short protein forms P11L.
Identifiers: ClinVar variation 4805265 (VCV004805265.1).

ClinVar aggregate classification (germline): Uncertain significance (1 of 4 stars; one submission).

Submission:

Labcorp Genetics (formerly Invitae), Labcorp
Classification: Uncertain significance. Last evaluated: 2025-04-09. Review status: criteria provided, single submitter. Criteria: Invitae Variant Classification Sherloc (09022015). Collection method: clinical testing. Allele origin: germline.
Comment: This sequence change replaces proline, which is neutral and non-polar, with leucine, which is neutral and non-polar, at codon 11 of the HAND2 protein (p.Pro11Leu). The frequency data for this variant in the population databases is considered unreliable, as metrics indicate insufficient coverage at this position in the gnomAD database. This variant has not been reported in the literature in individuals affected with HAND2-related conditions. An algorithm developed to predict the effect of missense changes on protein structure and function (PolyPhen-2) suggests that this variant is likely to be tolerated. In summary, the available evidence is currently insufficient to determine the role of this variant in disease. Therefore, it has been classified as a Variant of Uncertain Significance.